The following is an entry in ClinVar:

ClinVar aggregate classification (germline): Uncertain significance. Review status: criteria provided, multiple submitters, no conflicts (2 of 4 stars). 3 submissions from 3 submitters: Uncertain significance (2). 1 of the submissions does not count toward it. Last evaluated 2025-11-13.

Conditions:
Inborn genetic diseases. Identifiers: MedGen C0950123, MeSH D030342.
Melanoma, uveal, susceptibility to, 1 (UVM1). Identifiers: Orphanet 39044, MedGen C1847724, MONDO:0011695, OMIM 606660. Disease mechanism: loss of function.

Allele frequency attached by ClinVar (database versions not stated): gnomAD exomes 0.00001; gnomAD 0.00001.

Submissions (3):

Ambry Genetics
Classification: Uncertain significance for Inborn genetic diseases. Last evaluated: 2025-11-13. Review status: criteria provided, single submitter. Criteria: Ambry Variant Classification Scheme 2023. Collection method: clinical testing. Allele origin: germline.
Comment: The p.W563* variant (also known as c.1688G>A), located in coding exon 8 of the MBD4 gene, results from a G to A substitution at nucleotide position 1688. This alteration occurs at the 3' terminus of the gene, is not expected to trigger nonsense-mediated mRNAdecay, and impacts the last 2.1% of the protein. The exact functional effect of this alteration is unknown. Based on the available evidence, the clinical significance of this variant remains unclear.

Labcorp Genetics (formerly Invitae), Labcorp
Classification: Uncertain significance. Last evaluated: 2025-10-30. Review status: criteria provided, single submitter. Criteria: Invitae Variant Classification Sherloc (09022015). Collection method: clinical testing. Allele origin: germline.
Comment: This sequence change creates a premature translational stop signal (p.Trp569*) in the MBD4 gene. While this is not anticipated to result in nonsense mediated decay, it is expected to disrupt the last 12 amino acid(s) of the MBD4 protein. This variant is present in population databases (no rsID available, gnomAD 0.002%). This premature translational stop signal has been observed in individual(s) with autosomal dominant uveal melanoma (PMID: 32239153, 38060262). This variant is also known as c.1688G>A (p.Trp563*). ClinVar contains an entry for this variant (Variation ID: 1700256). Algorithms developed to predict the effect of sequence changes on RNA splicing suggest that this variant may disrupt the consensus splice site. In summary, the available evidence is currently insufficient to determine the role of this variant in disease. Therefore, it has been classified as a Variant of Uncertain Significance.

OMIM
Classification: risk factor for MELANOMA, UVEAL, SUSCEPTIBILITY TO, 1. Last evaluated: 2022-08-09. Review status: no assertion criteria provided. Collection method: literature only. Allele origin: unknown. Not counted in ClinVar's aggregate classification.

Literature cited by the submitters: PubMed 32239153 (cited by Labcorp Genetics (formerly Invitae), Labcorp and OMIM); PubMed 38060262 (cited by Labcorp Genetics (formerly Invitae), Labcorp).

NM_001276270.2(MBD4):c.1688G>A (p.Trp563Ter)

Gene: MBD4 (methyl-CpG binding domain 4, DNA glycosylase; minus strand). Cytogenetic location: 3q21.3.
Variant type: single nucleotide variant.
Coding change: c.1688G>A on transcript NM_001276270.2 (MANE Select); coding-DNA position 1688, G replaced by A.
Protein change: p.Trp563Ter; replaces tryptophan 563 with a stop codon.
Molecular consequence: nonsense. On other transcripts: 3 prime UTR variant (1).
Genome position (GRCh38, 1-based): chr3:129,431,538, C>T on the plus strand (G>A on the coding strand, the complement: MBD4 is on the minus strand). VCF-style: chr3-129431538-C-T. GRCh37 (hg19) VCF-style: chr3-129150381-C-T.
Other names: MBD4, TRP569TER (rs939751619); W569*; c.*30G>A (NM_001276272.2); c.752G>A, p.Trp251Ter (NM_001276273.2); c.1706G>A, p.Trp569Ter (NM_003925.3); short protein forms W251*, W563*.
Identifiers: ClinVar variation 1700256 (VCV001700256.5), dbSNP rs939751619, ClinGen allele CA82626500.
Genomic context (GRCh38, chr3:129,431,538, plus strand): 5'-GATGAGCTTGAAAGCTGCAGAGTTTAAGATAGACTTAATTTTTCATGATTTTCCCAAAGC[C>T]AGTCATGATATTTATTTAATTTGTGGTCTTCAGGGTGCACCTGGAAGAAACATAAGATAC-3'